The following is an entry in ClinVar:

NM_000398.7(CYB5R3):c.137G>A (p.Arg46Gln)

Gene: CYB5R3 (cytochrome b5 reductase 3; minus strand). Cytogenetic location: 22q13.2.
Variant type: single nucleotide variant.
Coding change: c.137G>A on transcript NM_000398.7 (MANE Select); coding-DNA position 137, G replaced by A.
Protein change: p.Arg46Gln; replaces arginine 46 with glutamine.
Molecular consequence: missense variant.
Genome position (GRCh38, 1-based): chr22:42,636,731, C>T on the plus strand (G>A on the coding strand, the complement: CYB5R3 is on the minus strand). VCF-style: chr22-42636731-C-T. GRCh37 (hg19) VCF-style: chr22-43032737-C-T.
Other names: c.68G>A, p.Arg23Gln (NM_001129819.2, NM_001171661.1, NM_007326.4); c.236G>A, p.Arg79Gln (NM_001171660.2); short protein forms R23Q, R46Q, R79Q.
Identifiers: ClinVar variation 811990 (VCV000811990.12), dbSNP rs781605975, ClinGen allele CA10269905.

ClinVar aggregate classification (germline): Uncertain significance. Review status: criteria provided, multiple submitters, no conflicts (2 of 4 stars). 2 submissions from 2 submitters: Uncertain significance (2). Last evaluated 2022-03-13.

Allele frequency attached by ClinVar (database versions not stated): gnomAD exomes 0.00002 and 0.00003; TOPMed 0.00003; ExAC 0.00004; gnomAD 0.00005.
gnomAD v4.1: 39 of 1,612,688 alleles (0.0024%); highest among the groups gnomAD compares: South Asian, 0.011%; no homozygotes.

Submissions (2):

Labcorp Genetics (formerly Invitae), Labcorp
Classification: Uncertain significance. Last evaluated: 2022-03-13. Review status: criteria provided, single submitter. Criteria: Invitae Variant Classification Sherloc (09022015). Collection method: clinical testing. Allele origin: germline.
Comment: In summary, the available evidence is currently insufficient to determine the role of this variant in disease. Therefore, it has been classified as a Variant of Uncertain Significance. Algorithms developed to predict the effect of missense changes on protein structure and function are either unavailable or do not agree on the potential impact of this missense change (SIFT: "Tolerated"; PolyPhen-2: "Possibly Damaging"; Align-GVGD: "Class C0"). ClinVar contains an entry for this variant (Variation ID: 811990). This variant has not been reported in the literature in individuals affected with CYB5R3-related conditions. This variant is present in population databases (rs781605975, gnomAD 0.01%). This sequence change replaces arginine, which is basic and polar, with glutamine, which is neutral and polar, at codon 46 of the CYB5R3 protein (p.Arg46Gln).

ARUP Laboratories, Molecular Genetics and Genomics, ARUP Laboratories
Classification: Uncertain significance. Last evaluated: 2019-05-02. Review status: criteria provided, single submitter. Criteria: ARUP Molecular Germline Variant Investigation Process. Collection method: clinical testing. Allele origin: germline.